The following is an entry in ClinVar:

ClinVar aggregate classification (germline): Uncertain significance (1 of 4 stars; one submission).

Allele frequency attached by ClinVar (database versions not stated): ExAC 0.00010.
gnomAD v4.1: 10 of 1,553,520 alleles (0.00064%); highest among the groups gnomAD compares: Middle Eastern, 0.017%; no homozygotes.

Submission:

Labcorp Genetics (formerly Invitae), Labcorp
Classification: Uncertain significance. Last evaluated: 2024-01-29. Review status: criteria provided, single submitter. Criteria: Invitae Variant Classification Sherloc (09022015). Collection method: clinical testing. Allele origin: germline.
Comment: This sequence change replaces alanine, which is neutral and non-polar, with threonine, which is neutral and polar, at codon 143 of the RAB11B protein (p.Ala143Thr). The frequency data for this variant in the population databases is considered unreliable, as metrics indicate poor data quality at this position in the gnomAD database. This variant has not been reported in the literature in individuals affected with RAB11B-related conditions. An algorithm developed to predict the effect of missense changes on protein structure and function (PolyPhen-2) suggests that this variant is likely to be disruptive. In summary, the available evidence is currently insufficient to determine the role of this variant in disease. Therefore, it has been classified as a Variant of Uncertain Significance.

NM_004218.4(RAB11B):c.427G>A (p.Ala143Thr)

Gene: RAB11B (RAB11B, member RAS oncogene family; plus strand). Cytogenetic location: 19p13.2.
Variant type: single nucleotide variant.
Coding change: c.427G>A on transcript NM_004218.4 (MANE Select); coding-DNA position 427, G replaced by A.
Protein change: p.Ala143Thr; replaces alanine 143 with threonine.
Molecular consequence: missense variant.
Genome position (GRCh38, 1-based): chr19:8,402,276, G>A. VCF-style: chr19-8402276-G-A. GRCh37 (hg19) VCF-style: chr19-8467160-G-A.
Other names: short protein forms A143T.
Identifiers: ClinVar variation 2900933 (VCV002900933.3), dbSNP rs772721088, ClinGen allele CA9156355.
Genomic context (GRCh38, chr19:8,402,276, plus strand): 5'-GGCAACAAGAGTGACCTGCGCCACCTGCGGGCTGTGCCCACTGACGAGGCCCGCGCCTTC[G>A]CAGGTGAGCAGACGGAGACGCAGGCATCAGAGAGGTGTCTGGAAGGCAGGAGGCCCCTCA-3'
Protein context (NP_004209.2, residues 133-153): AVPTDEARAF[Ala143Thr]EKNNLSFIET